The following is an entry in ClinVar:

ClinVar aggregate classification (germline): Pathogenic (1 of 4 stars; one submission).

Conditions:
Hereditary angioedema type 1 (HAE1). Identifiers: Orphanet 100050, Orphanet 100051, Orphanet 91378, MedGen C2717906, MONDO:0015053, OMIM 106100.

Submission:

DNA-diagnostics Laboratory, Research Centre For Medical Genetics
Classification: Pathogenic for Hereditary angioedema type 1. Last evaluated: 2024-06-15. Review status: criteria provided, single submitter. Criteria: ACMG Guidelines, 2015. Collection method: research. Allele origin: germline. Inheritance: Autosomal dominant inheritance. Affected: yes. Observed: 2 variant alleles, 2 heterozygotes.
Comment: The c.963delA variant in SERPING1 meets ACMG/ClinGen SVI guidance criteria to be classified as pathogenic: PVS1, PP4_Str, PM2_Sup

NM_000062.3(SERPING1):c.963del (p.Val322fs)

Gene: SERPING1 (serpin family G member 1; plus strand). Cytogenetic location: 11q12.1.
Variant type: Deletion.
Coding change: c.963del on transcript NM_000062.3 (MANE Select); coding-DNA position 963, one base deleted (A; older notation c.963delA).
Protein change: p.Val322fs; shifts the reading frame from valine 322.
Molecular consequence: frameshift variant.
Genome position (GRCh38, 1-based): chr11:57,606,481, A deleted; the last of 4 consecutive A bases (chr11:57,606,478-57,606,481); deleting any one gives the same sequence. VCF-style (leftmost placement, unchanged base first): chr11-57606477-TA-T. GRCh37 (hg19) VCF-style: chr11-57373950-TA-T.
Other names: c.963del, p.Val322fs (NM_001032295.2); c.963delA (NM_000062.3); short protein forms V322fs.
Identifiers: ClinVar variation 3242423 (VCV003242423.2), dbSNP rs2495442396.
Genomic context (GRCh38, chr11:57,606,477, plus strand): 5'-AGACAACATTTGATCCCAAGAAAACCAGAATGGAACCCTTTCACTTCAAAAACTCAGTTA[TA>T]AAAGTGCCCATGATGAATAGCAAGAAGTACCCTGTGGCCCATTTCATTGACCAAACTTTG-3'